The following is an entry in ClinVar:

ClinVar aggregate classification (germline): Uncertain significance. Review status: criteria provided, multiple submitters, no conflicts (2 of 4 stars). 3 submissions from 3 submitters: Uncertain significance (2). 1 of the submissions does not count toward it. Last evaluated 2026-03-28.

Conditions:
Inborn genetic diseases. Identifiers: MedGen C0950123, MeSH D030342.
Fanconi anemia (FA). Also called: Fanconi's anemia. Identifiers: Orphanet 84, MedGen C0015625, MeSH D005199, MONDO:0019391.

Submissions (3):

Ambry Genetics
Classification: Uncertain significance for Inborn genetic diseases. Last evaluated: 2026-03-28. Review status: criteria provided, single submitter. Criteria: Ambry Variant Classification Scheme 2023. Collection method: clinical testing. Allele origin: germline.
Comment: The p.L1083F variant (also known as c.3247C>T), located in coding exon 33 of the FANCA gene, results from a C to T substitution at nucleotide position 3247. The leucine at codon 1083 is replaced by phenylalanine, an amino acid with highly similar properties. This amino acid position is conserved. In addition, the in silico prediction for this alteration is inconclusive. Based on the available evidence, the clinical significance of this variant remains unclear.

Labcorp Genetics (formerly Invitae), Labcorp
Classification: Uncertain significance for Fanconi anemia. Last evaluated: 2021-10-09. Review status: criteria provided, single submitter. Criteria: Invitae Variant Classification Sherloc (09022015). Collection method: clinical testing. Allele origin: germline.
Comment: This sequence change replaces leucine with phenylalanine at codon 1083 of the FANCA protein (p.Leu1083Phe). The leucine residue is highly conserved and there is a small physicochemical difference between leucine and phenylalanine. This variant is not present in population databases (ExAC no frequency). This variant has not been reported in the literature in individuals affected with FANCA-related conditions. Algorithms developed to predict the effect of missense changes on protein structure and function are either unavailable or do not agree on the potential impact of this missense change (SIFT: "Deleterious"; PolyPhen-2: "Possibly Damaging"; Align-GVGD: "Class C0"). In summary, the available evidence is currently insufficient to determine the role of this variant in disease. Therefore, it has been classified as a Variant of Uncertain Significance.

Natera, Inc.
Classification: Uncertain significance for Fanconi anemia. Last evaluated: 2025-04-14. Review status: no assertion criteria provided. Collection method: clinical testing. Allele origin: germline. Not counted in ClinVar's aggregate classification.

NM_000135.4(FANCA):c.3247C>T (p.Leu1083Phe)

Gene: FANCA (FA complementation group A; minus strand). Cytogenetic location: 16q24.3.
Variant type: single nucleotide variant.
Coding change: c.3247C>T on transcript NM_000135.4 (MANE Select); coding-DNA position 3247, C replaced by T.
Protein change: p.Leu1083Phe; replaces leucine 1083 with phenylalanine.
Molecular consequence: missense variant.
Genome position (GRCh38, 1-based): chr16:89,748,760, G>A on the plus strand (C>T on the coding strand, the complement: FANCA is on the minus strand). VCF-style: chr16-89748760-G-A. GRCh37 (hg19) VCF-style: chr16-89815168-G-A.
Other names: c.3247C>T (NM_000135.3, NM_000135.2); c.3247C>T, p.Leu1083Phe (NM_001286167.3); short protein forms L1083F.
Identifiers: ClinVar variation 1446757 (VCV001446757.8), dbSNP rs2143128365, ClinGen allele CA397486390.